The following is an entry in ClinVar:

NM_031407.7(HUWE1):c.12559C>T (p.Arg4187Cys)

Gene: HUWE1 (HECT, UBA and WWE domain containing E3 ubiquitin protein ligase 1; minus strand). Cytogenetic location: Xp11.22.
Variant type: single nucleotide variant.
Coding change: c.12559C>T on transcript NM_031407.7 (MANE Select); coding-DNA position 12559, C replaced by T.
Protein change: p.Arg4187Cys; replaces arginine 4187 with cysteine.
Molecular consequence: missense variant.
Genome position (GRCh38, 1-based): chrX:53,535,474, G>A on the plus strand (C>T on the coding strand, the complement: HUWE1 is on the minus strand). VCF-style: chrX-53535474-G-A. GRCh37 (hg19) VCF-style: chrX-53562435-G-A.
Other names: short protein forms R4187C.
Identifiers: ClinVar variation 10678 (VCV000010678.70), dbSNP rs121918527, ClinGen allele CA121144.

ClinVar aggregate classification (germline): Conflicting classifications of pathogenicity. Review status: criteria provided, conflicting classifications (1 of 4 stars). 10 submissions from 10 submitters: Pathogenic (5); Likely pathogenic (3); Uncertain significance (1). 1 of the submissions does not count toward it. Last evaluated 2026-02-04.

Conditions:
HUWE1-related disorder. Also called: HUWE1-related condition.
Intellectual developmental disorder, X-linked, syndromic, Turner type. Also called: Intellectual disability, X-linked syndromic, Turner type; X-linked intellectual disability, Turner type. Identifiers: Orphanet 3056, Orphanet 85328, MedGen C2678046, MONDO:0010407, OMIM 309590.

Allele frequency attached by ClinVar (database versions not stated): gnomAD 0.00002; TOPMed 0.00001.
gnomAD v4.1: 2 of 1,202,169 alleles (0.00017%); highest among the groups gnomAD compares: Admixed American, 0.0022%; no homozygotes.

Submissions (10):

Institute of Human Genetics, Heidelberg University
Classification: Likely pathogenic for Intellectual developmental disorder, X-linked, syndromic, Turner type. Last evaluated: 2026-02-04. Review status: criteria provided, single submitter. Criteria: ACMG Guidelines, 2015. Collection method: clinical testing. Allele origin: maternal. Affected: yes. Observed: 2 variant alleles.
Comment: PM2_supp, PP2, PS3_supp, PS4_mod, PP1_str

Dasa
Classification: Pathogenic. Last evaluated: 2025-10-24. Review status: criteria provided, single submitter. Criteria: DASA Assertion Criteria. Collection method: clinical testing. Allele origin: germline.
Comment: NM_031407.7(HUWE1):c.12559C>T (p.Arg4187Cys) is a missense variant that results in the substitution of arginine with cysteine. The affected residue or protein region has prior evidence supporting clinical relevance. Segregation evidence has been reported in affected families. Functional evidence supports a deleterious effect on the gene or gene product (PMID: 18252223; PMID: 29118367; PMID: 34314700; PMID: 25679214). This variant has been recurrently observed in individuals with related phenotype (PMID: 18252223; PMID: 29118367; PMID: 34314700; PMID: 25679214). The variant is present at low frequency in population datasets. Based on the available data, this variant is classified as pathogenic.

GeneDx
Classification: Pathogenic. Last evaluated: 2025-09-11. Review status: criteria provided, single submitter. Criteria: GeneDx Variant Classification Process June 2021. Collection method: clinical testing. Allele origin: germline. Affected: yes.
Comment: Published functional studies demonstrate a damaging effect on protein function (PMID: 28445732, 34314700); Identified in multiple male family members with intellectual disability in published literature (PMID:18252223); In silico analysis supports that this missense variant has a deleterious effect on protein structure/function; Not observed at significant frequency in large population cohorts (gnomAD); This variant is associated with the following publications: (PMID: 19377476, 23871722, 29180823, 29307790, 27130160, 29118367, 33948573, 32336296, 34314700, 38178268, 28445732, 36111624, 37167062, 38021253, 18252223)

Victorian Clinical Genetics Services, Murdoch Childrens Research Institute
Classification: Pathogenic for Intellectual developmental disorder, X-linked, syndromic, Turner type. Last evaluated: 2025-05-26. Review status: criteria provided, single submitter. Criteria: ACMG Guidelines, 2015. Collection method: clinical testing. Allele origin: germline. Affected: yes.
Comment: This variant is classified as Pathogenic. Evidence in support of pathogenic classification: Variant is present in gnomAD <0.01 (v4: 2 heterozygote(s), 0 homozygote(s), 0 hemizygote(s)); This variant has strong previous evidence of pathogenicity in unrelated individuals. This variant has been classified as pathogenic and likely pathogenic in ClinVar, and once as a VUS. It has also been reported in the literature in individuals with X-linked intellectual disability (PMID: 25644381, 18252223); This variant has limited evidence for segregation with disease. This variant was found to segregate with disease in one family between the proband and three relatives (PMID: 18252223); Other missense variant(s) comparable to the one identified in this case have moderate previous evidence for pathogenicity. p.(Arg4187Ser) and p.(Arg4187His) have been classified as likely pathogenic by clinical laboratories in ClinVar. - Missense variant predicted to be damaging by in silico tool(s) or highly conserved with a major amino acid change. Additional information: Variant is predicted to result in a missense amino acid change from arginine to cysteine; This variant is hemizygous; This gene is associated with X-linked disease. Due to skewed X-inactivation, heterozygous females can be variably affected, ranging from asymptomatic to fully manifesting the condition (PMID: 29180823); Variant is located in the annotated HECT domain (DECIPHER); Loss of function and gain of function are known mechanisms of disease in this gene and are associated with intellectual developmental disorder, X-linked syndromic, Turner type (MIM#309590) (PMID: 27130160).

Institute of Human Genetics, University of Leipzig Medical Center
Classification: Pathogenic for Intellectual developmental disorder, X-linked, syndromic, Turner type. Last evaluated: 2023-12-14. Review status: criteria provided, single submitter. Criteria: ACMG Guidelines, 2015. Collection method: clinical testing. Allele origin: maternal. Inheritance: X-linked dominant inheritance. Affected: yes.
Comment: Criteria applied: PS2_MOD;PS4_MOD,PM5,PS3_SUP,PM2_SUP,PP1,PP2

Blueprint Genetics
Classification: Likely pathogenic for HUWE1-related disorders. Last evaluated: 2021-07-28. Review status: criteria provided, single submitter. Criteria: ACMG Guidelines, 2015. Collection method: clinical testing. Allele origin: germline. Affected: yes. Observed: 5 variant alleles.

Labcorp Genetics (formerly Invitae), Labcorp
Classification: Uncertain significance. Last evaluated: 2021-07-15. Review status: criteria provided, single submitter. Criteria: Invitae Variant Classification Sherloc (09022015). Collection method: clinical testing. Allele origin: germline.
Comment: Experimental studies have shown that this variant affects HUWE1 protein function (PMID: 29118367). Advanced modeling of protein sequence and biophysical properties (such as structural, functional, and spatial information, amino acid conservation, physicochemical variation, residue mobility, and thermodynamic stability) performed at Invitae indicates that this missense variant is expected to disrupt HUWE1 protein function. ClinVar contains an entry for this variant (Variation ID: 10678). This variant is also known as c.12229C>T (p.R4077C). This variant has been observed in individual(s) with intellectual disability (PMID: 18252223, 19377476). This variant is not present in population databases (ExAC no frequency). This sequence change replaces arginine with cysteine at codon 4187 of the HUWE1 protein (p.Arg4187Cys). The arginine residue is highly conserved and there is a large physicochemical difference between arginine and cysteine. In summary, the available evidence is currently insufficient to determine the role of this variant in disease. Therefore, it has been classified as a Variant of Uncertain Significance.

CeGaT Center for Human Genetics Tuebingen
Classification: Likely pathogenic. Last evaluated: 2017-07-01. Review status: criteria provided, single submitter. Criteria: CeGaT Center For Human Genetics Tuebingen Variant Classification Criteria Version 2. Collection method: clinical testing. Allele origin: germline. Affected: yes. Observed: 1 variant allele.

Molecular Genetics Lab, CHRU Brest
Classification: Pathogenic for Intellectual developmental disorder, X-linked, syndromic, Turner type. Review status: criteria provided, single submitter. Criteria: ACMG Guidelines, 2015. Collection method: clinical testing. Allele origin: maternal. Affected: yes.

OMIM
Classification: Pathogenic for INTELLECTUAL DEVELOPMENTAL DISORDER, X-LINKED, SYNDROMIC, TURNER TYPE. Last evaluated: 2008-02-01. Review status: no assertion criteria provided. Collection method: literature only. Allele origin: germline. Not counted in ClinVar's aggregate classification.

Literature cited by the submitters: PubMed 18252223 (cited by 4 submitters); PubMed 29118367 (cited by 3 submitters); PubMed 34314700 (cited by Dasa); PubMed 25679214 (cited by Dasa); PubMed 27130160 (cited by Victorian Clinical Genetics Services, Murdoch Childrens Research Institute); PubMed 25644381 (cited by Victorian Clinical Genetics Services, Murdoch Childrens Research Institute); PubMed 29180823 (cited by Victorian Clinical Genetics Services, Murdoch Childrens Research Institute); PubMed 19377476 (cited by Labcorp Genetics (formerly Invitae), Labcorp).